The following is an entry in ClinVar:

ClinVar aggregate classification (germline): Likely benign (1 of 4 stars; one submission).

Conditions:
Hypercholesterolemia, autosomal dominant, 3 (FHCL3). Also called: Familial Hypercholesterolemia, Autosomal Dominant, 3; PCSK9-Related Familial Hypercholesterolemia, Autosomal Dominant; Familial hypercholesterolemia 3. Identifiers: MedGen C1863551, MONDO:0011369, OMIM 603776.

Submission:

All of Us Research Program, National Institutes of Health
Classification: Likely benign for Hypercholesterolemia, autosomal dominant, 3. Last evaluated: 2023-08-15. Review status: criteria provided, single submitter. Criteria: ACMG Guidelines, 2015. Collection method: clinical testing. Allele origin: germline. Inheritance: Autosomal dominant inheritance. Observed: 1 variant allele, 1 heterozygote.
Comment: This study involves interpretation of variants in research participants for the purpose of population health screening. Participant phenotype was not available at the time of variant classification. Additional details can be found in publication PMID: 35346344, PMCID: PMC8962531

NM_174936.4(PCSK9):c.953del (p.Phe318fs)

Gene: PCSK9 (proprotein convertase subtilisin/kexin type 9; plus strand). Cytogenetic location: 1p32.3.
Variant type: Deletion.
Coding change: c.953del on transcript NM_174936.4 (MANE Select); coding-DNA position 953, one base deleted (T; older notation c.953delT).
Protein change: p.Phe318fs; shifts the reading frame from phenylalanine 318.
Molecular consequence: frameshift variant. On other transcripts: non-coding transcript variant (8).
Genome position (GRCh38, 1-based): chr1:55,056,146, T deleted; the last of 2 consecutive T bases (chr1:55,056,145-55,056,146); deleting either gives the same sequence. VCF-style (leftmost placement, unchanged base first): chr1-55056144-CT-C. GRCh37 (hg19) VCF-style: chr1-55521817-CT-C.
Other names: c.1076del, p.Phe359fs (NM_001407240.1); c.953del, p.Phe318fs (NM_001407241.1, NM_001407244.1, NM_001407247.1); c.956del, p.Phe319fs (NM_001407242.1); c.896del, p.Phe299fs (NM_001407243.1); c.761del, p.Phe254fs (NM_001407245.1); c.578del, p.Phe193fs (NM_001407246.1); short protein forms F193fs, F254fs, F299fs, F318fs, F319fs, F359fs.
Identifiers: ClinVar variation 3072913 (VCV003072913.1), dbSNP rs2523245192, ClinGen allele CA2825000980.
Genomic context (GRCh38, chr1:55,056,144, plus strand): 5'-CAACGCCGCCTGCCAGCGCCTGGCGAGGGCTGGGGTCGTGCTGGTCACCGCTGCCGGCAA[CT>C]TCCGGGACGATGCCTGCCTCTACTCCCCAGCCTCAGCTCCCGAGGTAGGTGCTGGGGCTG-3'